The following is an entry in ClinVar:

NM_005055.5(RAPSN):c.451C>T (p.Arg151Cys)

Gene: RAPSN (receptor associated protein of the synapse; minus strand). Cytogenetic location: 11p11.2.
Variant type: single nucleotide variant.
Coding change: c.451C>T on transcript NM_005055.5 (MANE Select); coding-DNA position 451, C replaced by T.
Protein change: p.Arg151Cys; replaces arginine 151 with cysteine.
Molecular consequence: missense variant.
Genome position (GRCh38, 1-based): chr11:47,447,892, G>A on the plus strand (C>T on the coding strand, the complement: RAPSN is on the minus strand). VCF-style: chr11-47447892-G-A. GRCh37 (hg19) VCF-style: chr11-47469444-G-A.
Other names: c.451C>T, p.Arg151Cys (NM_032645.5); short protein forms R151C.
Identifiers: ClinVar variation 972659 (VCV000972659.11), dbSNP rs148600999, ClinGen allele CA5976742.

ClinVar aggregate classification (germline): Uncertain significance. Review status: criteria provided, multiple submitters, no conflicts (2 of 4 stars). 3 submissions from 3 submitters: Uncertain significance (2). 1 of the submissions does not count toward it. Last evaluated 2024-02-24.

Conditions:
Fetal akinesia deformation sequence 1 (FADS1). Also called: Pena-Shokeir syndrome type I; Fetal akinesia sequence. Identifiers: Orphanet 994, MedGen C1276035, MONDO:0100101, OMIM 208150, HP:0001989.
Congenital myasthenic syndrome 11. Also called: Myasthenic syndrome, congenital, 11, associated with acetylcholine receptor deficiency; MYASTHENIC SYNDROME, CONGENITAL, Ie. Identifiers: Orphanet 590, MedGen C4225367, MONDO:0014588, OMIM 616326.
Congenital myasthenic syndrome (CMS). Also called: Congenital Myasthenic Syndromes. Identifiers: Orphanet 590, MedGen C0751882, MeSH D020294, MONDO:0018940.

Allele frequency attached by ClinVar (database versions not stated): ExAC 0.00001; gnomAD 0.00001; gnomAD exomes 0.00001; TOPMed 0.00001; ESP Exome Variant Server 0.00008.

Submissions (3):

Labcorp Genetics (formerly Invitae), Labcorp
Classification: Uncertain significance for Congenital myasthenic syndrome 11; Fetal akinesia deformation sequence 1. Last evaluated: 2024-02-24. Review status: criteria provided, single submitter. Criteria: Invitae Variant Classification Sherloc (09022015). Collection method: clinical testing. Allele origin: germline.
Comment: This sequence change replaces arginine, which is basic and polar, with cysteine, which is neutral and slightly polar, at codon 151 of the RAPSN protein (p.Arg151Cys). The frequency data for this variant in the population databases is considered unreliable, as metrics indicate poor data quality at this position in the gnomAD database. This variant has not been reported in the literature in individuals affected with RAPSN-related conditions. ClinVar contains an entry for this variant (Variation ID: 972659). Advanced modeling of protein sequence and biophysical properties (such as structural, functional, and spatial information, amino acid conservation, physicochemical variation, residue mobility, and thermodynamic stability) performed at Invitae indicates that this missense variant is not expected to disrupt RAPSN protein function with a negative predictive value of 80%. In summary, the available evidence is currently insufficient to determine the role of this variant in disease. Therefore, it has been classified as a Variant of Uncertain Significance.

Revvity Omics, Revvity
Classification: Uncertain significance. Last evaluated: 2019-10-01. Review status: criteria provided, single submitter. Criteria: ACMG Guidelines, 2015. Collection method: clinical testing. Allele origin: germline.

Natera, Inc.
Classification: Uncertain significance for Congenital myasthenic syndrome. Last evaluated: 2020-11-27. Review status: no assertion criteria provided. Collection method: clinical testing. Allele origin: germline. Not counted in ClinVar's aggregate classification.